The following is an entry in ClinVar:

NM_001369.3(DNAH5):c.5290T>C (p.Ser1764Pro)

Gene: DNAH5 (dynein axonemal heavy chain 5; minus strand). Cytogenetic location: 5p15.2.
Variant type: single nucleotide variant.
Coding change: c.5290T>C on transcript NM_001369.3 (MANE Select); coding-DNA position 5290, T replaced by C.
Protein change: p.Ser1764Pro; replaces serine 1764 with proline.
Molecular consequence: missense variant.
Genome position (GRCh38, 1-based): chr5:13,841,886, A>G on the plus strand (T>C on the coding strand, the complement: DNAH5 is on the minus strand). VCF-style: chr5-13841886-A-G. GRCh37 (hg19) VCF-style: chr5-13841995-A-G.
Other names: short protein forms S1764P.
Identifiers: ClinVar variation 238980 (VCV000238980.19), dbSNP rs748763552, ClinGen allele CA3203705.

ClinVar aggregate classification (germline): Pathogenic/Likely pathogenic. Review status: criteria provided, multiple submitters, no conflicts (2 of 4 stars). 7 submissions from 7 submitters: Pathogenic (1); Likely pathogenic (6). Last evaluated 2026-05-30.

Conditions:
DNAH5-related disorders.
Primary ciliary dyskinesia 3. Identifiers: Orphanet 244, MedGen C1837618, MONDO:0012085, OMIM 608644.
Primary ciliary dyskinesia. Also called: Ciliary dyskinesia. Identifiers: Orphanet 244, MedGen C0008780, MONDO:0016575, HP:0012265.
Respiratory ciliopathies including non-CF bronchiectasis.

Allele frequency attached by ClinVar (database versions not stated): gnomAD exomes 0.00001 and 0.00002; TOPMed 0.00001; ExAC 0.00002; gnomAD 0.00002.
gnomAD v4.1: 33 of 1,556,108 alleles (0.0021%); highest among the groups gnomAD compares: Admixed American, 0.0068%; no homozygotes.

Submissions (7):

NHS Central & South Genomic Laboratory Hub
Classification: Likely pathogenic for Respiratory ciliopathies including non-CF bronchiectasis. Last evaluated: 2026-05-30. Review status: criteria provided, single submitter. Criteria: ACMG Guidelines, 2015. Collection method: clinical testing. Allele origin: germline. Affected: yes.

Laboratory of Cell Biology, Institute of Biomedical Sciences Abel Salazar University of Porto
Classification: Likely pathogenic for Primary ciliary dyskinesia 3. Last evaluated: 2025-12-19. Review status: criteria provided, single submitter. Criteria: ACMG Guidelines, 2015. Collection method: clinical testing. Allele origin: germline. Inheritance: Autosomal recessive inheritance. Observed: 1 compound heterozygote.
Comment: The DNAH5 c.5290T>C variant is a missense change that has been reported in the primary literature in the context of Primary Ciliary Dyskinesia (PCD). It was first described by Wheway et al. (2021) in a whole‑genome sequencing study of PCD patients (PMID: 34556108), where it was classified as a variant of uncertain significance (VUS). Subsequently, it was also identified in Portuguese individuals with PCD in a study by Tinoco et al. (2023) (PMID: 36980814). ClinVar currently classifies this variant as Pathogenic/likely-pathogenic with a 2‑star review status (reviewed October 2025). This classification is supported by three submissions, including two from high-confidence clinical laboratories, citing the following publications: PMIDs 36980814, 36079093, and 34556108. Population data support rarity: in gnomAD, the variant is absent in the homozygous state in both genome (coverage: 28.4×) and exome datasets (coverage: 32.7×), meeting expectations for a pathogenic variant in an autosomal recessive disease gene such as DNAH5. The lack of homozygotes in large population databases supports its classification under ACMG criterion PM2 (Moderate). Computational predictors also provide supportive evidence. AlphaMissense scores this variant at 0.914, a value within the range associated with supporting pathogenicity (0.787–0.956), fulfilling PP3 (Supporting). Experimental data, specifically DNAH5 immunofluorescence analysis performed by Roseta et al. (under review), demonstrated that the c.5290T>C variant, when present in trans with a second DNAH5 variant (compound heterozygosity), leads to a phenotype consistent with PCD.

Natera, Inc.
Classification: Likely pathogenic for Primary ciliary dyskinesia. Last evaluated: 2025-12-02. Review status: criteria provided, single submitter. Criteria: Natera Variant Classification Schema (03/2026). Collection method: clinical testing. Allele origin: germline.
Comment: The c.5290T>C variant in DNAH5 is a missense variant predicted to cause substitution of serine to proline at amino acid 1764. This variant is rare in the general population with a frequency below the threshold expected for the associated phenotype(s). This variant has been observed in one or more individuals affected with the associated recessive disease, as either homozygous or compound heterozygous with a second variant (PMID: 34556108, 36980814, 40785399). This variant has been identified in one or more affected individuals with a phenotype highly consistent with the associated gene (PMID:34556108, 36980814). Computational prediction algorithms indicate this variant is likely to affect gene or protein function. Given the available evidence, this variant is classified as Likely Pathogenic.

Labcorp Genetics (formerly Invitae), Labcorp
Classification: Pathogenic for Primary ciliary dyskinesia. Last evaluated: 2025-10-22. Review status: criteria provided, single submitter. Criteria: Invitae Variant Classification Sherloc (09022015). Collection method: clinical testing. Allele origin: germline.
Comment: This sequence change replaces serine, which is neutral and polar, with proline, which is neutral and non-polar, at codon 1764 of the DNAH5 protein (p.Ser1764Pro). This variant is present in population databases (rs748763552, gnomAD 0.006%). This missense change has been observed in individual(s) with primary ciliary dyskinesia (internal data). ClinVar contains an entry for this variant (Variation ID: 238980). Invitae Evidence Modeling of protein sequence and biophysical properties (such as structural, functional, and spatial information, amino acid conservation, physicochemical variation, residue mobility, and thermodynamic stability) indicates that this missense variant is not expected to disrupt DNAH5 protein function with a negative predictive value of 95%. For these reasons, this variant has been classified as Pathogenic.

Ambry Genetics
Classification: Likely pathogenic for Primary ciliary dyskinesia. Last evaluated: 2025-06-16. Review status: criteria provided, single submitter. Criteria: Ambry Variant Classification Scheme 2023. Collection method: clinical testing. Allele origin: germline.
Comment: The p.S1764P variant (also known as c.5290T>C), located in coding exon 33 of the DNAH5 gene, results from a T to C substitution at nucleotide position 5290. The serine at codon 1764 is replaced by proline, an amino acid with similar properties. This variant has been identified in the homozygous state and/or in conjunction with other DHAH5 variant(s) in individual(s) who met clinical criteria for DNAH5-related primary ciliary dyskinesia; in at least one instance, the variants were identified in trans (Wheway G et al. BMC Med Genomics, 2021 Sep;14:234; Alexandru M et al. J Clin Med, 2022 Aug;11:; Tinoco EM et al. Genes (Basel), 2023 Feb;14:; Ambry internal data). This amino acid position is not well conserved in available vertebrate species. In addition, the in silico prediction for this alteration is inconclusive. Based on the majority of available evidence to date, this variant is likely to be pathogenic.

Fulgent Genetics
Classification: Likely pathogenic for Primary ciliary dyskinesia 3. Last evaluated: 2024-01-27. Review status: criteria provided, single submitter. Criteria: ACMG Guidelines, 2015. Collection method: clinical testing. Allele origin: germline.

Blueprint Genetics
Classification: Likely pathogenic for DNAH5-related disorders. Last evaluated: 2023-11-07. Review status: criteria provided, single submitter. Criteria: ACMG Guidelines, 2015. Collection method: clinical testing. Allele origin: germline. Affected: yes. Observed: 3 variant alleles.

Literature cited by the submitters: PubMed 34556108 (cited by Natera, Inc. and Ambry Genetics); PubMed 36980814 (cited by Natera, Inc. and Ambry Genetics); PubMed 40785399 (cited by Natera, Inc.); PubMed 36079093 (cited by Ambry Genetics).